The following is an entry in ClinVar:

NM_001080477.4(TENM3):c.5842T>G (p.Phe1948Val)

Gene: TENM3 (teneurin transmembrane protein 3; plus strand). Cytogenetic location: 4q35.1.
Variant type: single nucleotide variant.
Coding change: c.5842T>G on transcript NM_001080477.4 (MANE Select); coding-DNA position 5842, T replaced by G.
Protein change: p.Phe1948Val; replaces phenylalanine 1948 with valine.
Molecular consequence: missense variant.
Genome position (GRCh38, 1-based): chr4:182,792,514, T>G. VCF-style: chr4-182792514-T-G. GRCh37 (hg19) VCF-style: chr4-183713667-T-G.
Other names: c.5074T>G, p.Phe1692Val (NM_001415960.1); c.5047T>G, p.Phe1683Val (NM_001415961.1); c.5044T>G, p.Phe1682Val (NM_001415962.1); c.5026T>G, p.Phe1676Val (NM_001415963.1); c.5023T>G, p.Phe1675Val (NM_001415964.1); c.5560T>G, p.Phe1854Val (NM_001415966.1); c.5584T>G, p.Phe1862Val (NM_001415967.1); c.5860T>G, p.Phe1954Val (NM_001415968.1); and 4 more; short protein forms F1948V, F1675V, F1676V, F1682V, F1683V, F1692V, F1854V, F1855V.
Identifiers: ClinVar variation 1803374 (VCV001803374.1), dbSNP rs2532484796, ClinGen allele CA358835716.
Genomic context (GRCh38, chr4:182,792,514, plus strand): 5'-TACAACGAGGAAGGGCTGCTTCTACAAACAGCTTTCTTGGGTACAAGTCGGAGGGTCTTA[T>G]TCAAATACAGAAGGCAGACTAGGCTCTCAGAAATTTTATATGATAGCACAAGAGTCAGTT-3'
Protein context (NP_001073946.1, residues 1938-1958): AFLGTSRRVL[Phe1948Val]KYRRQTRLSE

ClinVar aggregate classification (germline): Uncertain significance (1 of 4 stars; one submission).

Submission:

GeneDx
Classification: Uncertain significance. Last evaluated: 2022-06-08. Review status: criteria provided, single submitter. Criteria: GeneDx Variant Classification Process June 2021. Collection method: clinical testing. Allele origin: germline. Affected: yes.
Comment: Not observed at significant frequency in large population cohorts (gnomAD); In silico analysis supports that this missense variant has a deleterious effect on protein structure/function; Has not been previously published as pathogenic or benign to our knowledge